The following is an entry in ClinVar:

NM_000092.5(COL4A4):c.4280G>A (p.Gly1427Glu)

Gene: COL4A4 (collagen type IV alpha 4 chain; minus strand). Cytogenetic location: 2q36.3.
Variant type: single nucleotide variant.
Coding change: c.4280G>A on transcript NM_000092.5 (MANE Select); coding-DNA position 4280, G replaced by A.
Protein change: p.Gly1427Glu; replaces glycine 1427 with glutamic acid.
Molecular consequence: missense variant.
Genome position (GRCh38, 1-based): chr2:227,012,234, C>T on the plus strand (G>A on the coding strand, the complement: COL4A4 is on the minus strand). VCF-style: chr2-227012234-C-T. GRCh37 (hg19) VCF-style: chr2-227876950-C-T.
Other names: short protein forms G1427E.
Identifiers: ClinVar variation 3634120 (VCV003634120.2).

ClinVar aggregate classification (germline): Uncertain significance (1 of 4 stars; one submission).

gnomAD v4.1: 1 of 1,614,102 alleles (0.000062%); highest among the groups gnomAD compares: Non-Finnish European, 0.000085%; no homozygotes.

Submission:

Labcorp Genetics (formerly Invitae), Labcorp
Classification: Uncertain significance. Last evaluated: 2024-09-14. Review status: criteria provided, single submitter. Criteria: Invitae Variant Classification Sherloc (09022015). Collection method: clinical testing. Allele origin: germline.
Comment: This sequence change replaces glycine, which is neutral and non-polar, with glutamic acid, which is acidic and polar, at codon 1427 of the COL4A4 protein (p.Gly1427Glu). This variant is not present in population databases (gnomAD no frequency). This variant has not been reported in the literature in individuals affected with COL4A4-related conditions. Invitae Evidence Modeling of protein sequence and biophysical properties (such as structural, functional, and spatial information, amino acid conservation, physicochemical variation, residue mobility, and thermodynamic stability) indicates that this missense variant is expected to disrupt COL4A4 protein function with a positive predictive value of 95%. In summary, the available evidence is currently insufficient to determine the role of this variant in disease. Therefore, it has been classified as a Variant of Uncertain Significance.